The following is an entry in ClinVar:

NM_005157.6(ABL1):c.209A>G (p.Tyr70Cys)

Gene: ABL1 (ABL proto-oncogene 1, non-receptor tyrosine kinase; plus strand). Cytogenetic location: 9q34.12.
Variant type: single nucleotide variant.
Coding change: c.209A>G on transcript NM_005157.6 (MANE Select); coding-DNA position 209, A replaced by G.
Protein change: p.Tyr70Cys; replaces tyrosine 70 with cysteine.
Molecular consequence: missense variant.
Genome position (GRCh38, 1-based): chr9:130,854,193, A>G. VCF-style: chr9-130854193-A-G. GRCh37 (hg19) VCF-style: chr9-133729580-A-G.
Other names: c.266A>G, p.Tyr89Cys (NM_007313.3); short protein forms Y70C, Y89C.
Identifiers: ClinVar variation 4807971 (VCV004807971.1).
Genomic context (GRCh38, chr9:130,854,193, plus strand): 5'-CCAAGGAAAACCTTCTCGCTGGACCCAGTGAAAATGACCCCAACCTTTTCGTTGCACTGT[A>G]TGATTTTGTGGCCAGTGGAGATAACACTCTAAGCATAACTAAAGGTAAAAGGGTTGTGGG-3'
Protein context (NP_005148.2, residues 60-80): ENDPNLFVAL[Tyr70Cys]DFVASGDNTL

ClinVar aggregate classification (germline): Uncertain significance (1 of 4 stars; one submission).

gnomAD v4.1: 1 of 1,614,132 alleles (0.000062%); highest among the groups gnomAD compares: South Asian, 0.0011%; no homozygotes.

Submission:

Labcorp Genetics (formerly Invitae), Labcorp
Classification: Uncertain significance. Last evaluated: 2025-08-31. Review status: criteria provided, single submitter. Criteria: Invitae Variant Classification Sherloc (09022015). Collection method: clinical testing. Allele origin: germline.
Comment: This sequence change replaces tyrosine, which is neutral and polar, with cysteine, which is neutral and slightly polar, at codon 89 of the ABL1 protein (p.Tyr89Cys). This variant is present in population databases (rs776891302, gnomAD 0.003%). This variant has not been reported in the literature in individuals affected with ABL1-related conditions. Invitae Evidence Modeling of protein sequence and biophysical properties (such as structural, functional, and spatial information, amino acid conservation, physicochemical variation, residue mobility, and thermodynamic stability) has been performed for this missense variant. However, the output from this modeling did not meet the statistical confidence thresholds required to predict the impact of this variant on ABL1 protein function. In summary, the available evidence is currently insufficient to determine the role of this variant in disease. Therefore, it has been classified as a Variant of Uncertain Significance.